The following is an entry in ClinVar:

ClinVar aggregate classification (germline): Uncertain significance (1 of 4 stars; one submission).

Submission:

GeneDx
Classification: Uncertain significance. Last evaluated: 2024-07-24. Review status: criteria provided, single submitter. Criteria: GeneDx Variant Classification Process June 2021. Collection method: clinical testing. Allele origin: germline. Affected: yes.
Comment: Not observed at significant frequency in large population cohorts (gnomAD); In silico analysis indicates that this missense variant does not alter protein structure/function; Has not been previously published as pathogenic or benign to our knowledge

NM_015365.3(AMMECR1):c.182G>T (p.Gly61Val)

Gene: AMMECR1 (AMMECR nuclear protein 1; minus strand). Cytogenetic location: Xq23.
Variant type: single nucleotide variant.
Coding change: c.182G>T on transcript NM_015365.3 (MANE Select); coding-DNA position 182, G replaced by T.
Protein change: p.Gly61Val; replaces glycine 61 with valine.
Molecular consequence: missense variant. On other transcripts: intron variant (1).
Genome position (GRCh38, 1-based): chrX:110,317,890, C>A on the plus strand (G>T on the coding strand, the complement: AMMECR1 is on the minus strand). VCF-style: chrX-110317890-C-A. GRCh37 (hg19) VCF-style: chrX-109561118-C-A.
Other names: c.182G>T, p.Gly61Val (NM_001025580.2); c.-147-41G>T (NM_001171689.2); short protein forms G61V.
Identifiers: ClinVar variation 3602302 (VCV003602302.1).
Genomic context (GRCh38, chrX:110,317,890, plus strand): 5'-CCGCCGCCGCCGCCGCAGCCCTGGGGGGGAGAGAGGGTACAGCCGCTGCCGCTACCTCCT[C>A]CGGTTAGACCTCCCAGCCCGTTGAGCCGCGTACCGGCGCCTCCTAGTCCCAGCTCCCCAG-3'
Protein context (NP_056180.1, residues 51-71): TRLNGLGGLT[Gly61Val]GGSGSGCTLS